The following is an entry in ClinVar:

ClinVar aggregate classification (germline): Uncertain significance (1 of 4 stars; one submission).

gnomAD v4.1: 2 of 1,614,020 alleles (0.00012%); highest among the groups gnomAD compares: Middle Eastern, 0.016%; no homozygotes.

Submission:

Labcorp Genetics (formerly Invitae), Labcorp
Classification: Uncertain significance. Last evaluated: 2023-06-21. Review status: criteria provided, single submitter. Criteria: Invitae Variant Classification Sherloc (09022015). Collection method: clinical testing. Allele origin: germline.
Comment: In summary, the available evidence is currently insufficient to determine the role of this variant in disease. Therefore, it has been classified as a Variant of Uncertain Significance. An algorithm developed to predict the effect of missense changes on protein structure and function (PolyPhen-2) suggests that this variant is likely to be tolerated. This variant has not been reported in the literature in individuals affected with RP1-related conditions. This variant is not present in population databases (gnomAD no frequency). This sequence change replaces methionine, which is neutral and non-polar, with isoleucine, which is neutral and non-polar, at codon 508 of the RP1 protein (p.Met508Ile).

NM_006269.2(RP1):c.1524G>A (p.Met508Ile)

Gene: RP1 (RP1 axonemal microtubule associated; plus strand). Cytogenetic location: 8q12.1.
Variant type: single nucleotide variant.
Coding change: c.1524G>A on transcript NM_006269.2 (MANE Select); coding-DNA position 1524, G replaced by A.
Protein change: p.Met508Ile; replaces methionine 508 with isoleucine.
Molecular consequence: missense variant. On other transcripts: intron variant (1).
Genome position (GRCh38, 1-based): chr8:54,625,406, G>A. VCF-style: chr8-54625406-G-A. GRCh37 (hg19) VCF-style: chr8-55537966-G-A.
Other names: c.787+3118G>A (NM_001375654.1); short protein forms M508I.
Identifiers: ClinVar variation 2979215 (VCV002979215.3), dbSNP rs763557973, ClinGen allele CA370990666.
Genomic context (GRCh38, chr8:54,625,406, plus strand): 5'-AAGGGAAAGTGGGGAAAACAAGTCTGAGTATCACATGTTTACACATTCTTGCAGTAAAAT[G>A]TCATCAGTATCTAACAAACCAGTACTTGTTCAGATCAATAACAATGATCAAATGGAGGAG-3'
Protein context (NP_006260.1, residues 498-518): YHMFTHSCSK[Met508Ile]SSVSNKPVLV